The following is an entry in ClinVar:

NM_000179.3(MSH6):c.748G>A (p.Val250Ile)

Gene: MSH6 (mutS homolog 6; plus strand). Cytogenetic location: 2p16.3.
Variant type: single nucleotide variant.
Coding change: c.748G>A on transcript NM_000179.3 (MANE Select); coding-DNA position 748, G replaced by A.
Protein change: p.Val250Ile; replaces valine 250 with isoleucine.
Molecular consequence: missense variant. On other transcripts: 5 prime UTR variant (2).
Genome position (GRCh38, 1-based): chr2:47,798,731, G>A. VCF-style: chr2-47798731-G-A. GRCh37 (hg19) VCF-style: chr2-48025870-G-A.
Other names: c.223G>A, p.Val75Ile (NM_001406807.1, NM_001406799.1, NM_001406806.1); c.748G>A, p.Val250Ile (NM_001406808.1, NM_001406809.1, NM_001406817.1 and 4 more transcripts); c.-159G>A (NM_001406811.1, NM_001406812.1, NM_001406814.1 and 6 more transcripts); c.754G>A, p.Val252Ile (NM_001406813.1); c.451G>A, p.Val151Ile (NM_001406818.1, NM_001406819.1, NM_001406820.1 and 10 more transcripts); c.580G>A, p.Val194Ile (NM_001406826.1); c.358G>A, p.Val120Ile (NM_001281492.2); c.844G>A, p.Val282Ile (NM_001406795.1, NM_001406802.1); and 1 more; short protein forms V252I, V282I, V75I, V120I, V151I, V250I, V194I, V224I.
Identifiers: ClinVar variation 1759149 (VCV001759149.3), dbSNP rs2104295246, ClinGen allele CA346740117.
Genomic context (GRCh38, chr2:47,798,731, plus strand): 5'-GAAGTACAGCCTAAGACACAAGGATCTAGGCGAAGTAGCCGCCAAATAAAAAAACGAAGG[G>A]TCATATCAGATTCTGAGAGTGACATTGGTGGCTCTGATGTGGAATTTAAGCCAGACACTA-3'
Protein context (NP_000170.1, residues 240-260): RSSRQIKKRR[Val250Ile]ISDSESDIGG

ClinVar aggregate classification (germline): Uncertain significance (1 of 4 stars; one submission).

Conditions:
Hereditary cancer-predisposing syndrome. Also called: Neoplastic Syndromes, Hereditary; Tumor predisposition; Hereditary Cancer Syndrome; Hereditary neoplastic syndrome. Identifiers: Orphanet 140162, MedGen C0027672, MeSH D009386, MONDO:0015356.

Submission:

Ambry Genetics
Classification: Uncertain significance for Hereditary cancer-predisposing syndrome. Last evaluated: 2025-12-08. Review status: criteria provided, single submitter. Criteria: Ambry Variant Classification Scheme 2023. Collection method: clinical testing. Allele origin: germline.
Comment: The p.V250I variant (also known as c.748G>A), located in coding exon 4 of the MSH6 gene, results from a G to A substitution at nucleotide position 748. The valine at codon 250 is replaced by isoleucine, an amino acid with highly similar properties. This amino acid position is well conserved in available vertebrate species; however, isoleucine is the reference amino acid in other vertebrate species. In addition, the in silico prediction for this alteration is inconclusive. Based on the available evidence, the clinical significance of this variant remains unclear.